The following is an entry in ClinVar:

NM_014290.3(TDRD7):c.-133C>G

Genes: TDRD7 (tudor domain containing 7; plus strand), LOC124310607 (Sharpr-MPRA regulatory region 2004; plus strand). Cytogenetic location: 9q22.33.
Variant type: single nucleotide variant.
Coding change: c.-133C>G on transcript NM_014290.3 (MANE Select); 133 bases upstream of the start codon, C replaced by G.
Molecular consequence: 5 prime UTR variant.
Genome position (GRCh38, 1-based): chr9:97,412,112, C>G. VCF-style: chr9-97412112-C-G. GRCh37 (hg19) VCF-style: chr9-100174394-C-G.
Other names: c.-142C>G (NM_001302884.2).
Identifiers: ClinVar variation 364054 (VCV000364054.6), dbSNP rs10982012, ClinGen allele CA10627752.
Genomic context (GRCh38, chr9:97,412,112, plus strand): 5'-CGGGGCGAAGCGGGGCGGGGCCGAGCAGGGCGGGGCGGGGGCTTGAGGTGATTCCCAAGC[C>G]GCGGGGCGGCTCCGGTGGTGCGGGGAAACCGAAAGTGGGCGGCGGCCGCGGCGGGGCCCC-3'

ClinVar aggregate classification (germline): Benign. Review status: criteria provided, multiple submitters, no conflicts (2 of 4 stars). 2 submissions from 2 submitters: Benign (2). Last evaluated 2018-01-13.

Conditions:
Cataract 36. Identifiers: MedGen C3151304, MONDO:0013484, OMIM 613887.

Allele frequency attached by ClinVar (database versions not stated): gnomAD exomes 0.01887; TOPMed 0.02695; 1000 Genomes Project 30x 0.04685; 1000 Genomes Project 0.04932.
gnomAD v4.1: 3,750 of 152,826 alleles (2.5%); highest among the groups gnomAD compares: East Asian, 12%; 109 homozygotes.

Submissions (2):

Illumina Laboratory Services, Illumina
Classification: Benign for Cataract 36. Last evaluated: 2018-01-13. Review status: criteria provided, single submitter. Criteria: ICSL Variant Classification Criteria 13 December 2019. Collection method: clinical testing. Allele origin: germline.
Comment: This variant was observed in the ICSL laboratory as part of a predisposition screen in an ostensibly healthy population. It had not been previously curated by ICSL or reported in the Human Gene Mutation Database (HGMD: prior to June 1st, 2018), and was therefore a candidate for classification through an automated scoring system. Utilizing variant allele frequency, disease prevalence and penetrance estimates, and inheritance mode, an automated score was calculated to assess if this variant is too frequent to cause the disease. Based on the score and internal cut-off values, a variant classified as benign is not then subjected to further curation. The score for this variant resulted in a classification of benign for this disease.

Breakthrough Genomics
Classification: Benign. Review status: criteria provided, single submitter. Criteria: ACMG Guidelines, 2015. Collection method: not provided. Allele origin: germline. Inheritance: Autosomal recessive inheritance. Affected: yes.